The following is an entry in ClinVar:

ClinVar aggregate classification (germline): Uncertain significance. Review status: criteria provided, multiple submitters, no conflicts (2 of 4 stars). 2 submissions from 2 submitters: Uncertain significance (2). Last evaluated 2026-03-19.

Conditions:
Hereditary cancer-predisposing syndrome. Also called: Tumor predisposition; Hereditary neoplastic syndrome; Neoplastic Syndromes, Hereditary; Hereditary Cancer Syndrome. Identifiers: Orphanet 140162, MedGen C0027672, MeSH D009386, MONDO:0015356.
Multiple endocrine neoplasia, type 1 (MEN1). Also called: MEA I; MEN I; WERMER SYNDROME; Endocrine adenomatosis multiple; MEN 1. Identifiers: Orphanet 652, MedGen C0025267, MeSH D018761, MONDO:0007540, OMIM 131100.

Submissions (2):

Ambry Genetics
Classification: Uncertain significance for Hereditary cancer-predisposing syndrome. Last evaluated: 2026-03-19. Review status: criteria provided, single submitter. Criteria: Ambry Variant Classification Scheme 2023. Collection method: clinical testing. Allele origin: germline.
Comment: The p.K589M variant (also known as c.1766A>T), located in coding exon 9 of the MEN1 gene, results from an A to T substitution at nucleotide position 1766. The lysine at codon 589 is replaced by methionine, an amino acid with similar properties. This amino acid position is conserved. In addition, the in silico prediction for this alteration is inconclusive. Based on the available evidence, the clinical significance of this variant remains unclear.

Labcorp Genetics (formerly Invitae), Labcorp
Classification: Uncertain significance for Multiple endocrine neoplasia, type 1. Last evaluated: 2025-07-30. Review status: criteria provided, single submitter. Criteria: Invitae Variant Classification Sherloc (09022015). Collection method: clinical testing. Allele origin: germline.
Comment: This sequence change replaces lysine, which is basic and polar, with methionine, which is neutral and non-polar, at codon 589 of the MEN1 protein (p.Lys589Met). This variant is not present in population databases (gnomAD no frequency). This variant has not been reported in the literature in individuals affected with MEN1-related conditions. ClinVar contains an entry for this variant (Variation ID: 2761267). Invitae Evidence Modeling of protein sequence and biophysical properties (such as structural, functional, and spatial information, amino acid conservation, physicochemical variation, residue mobility, and thermodynamic stability) indicates that this missense variant is expected to disrupt MEN1 protein function with a positive predictive value of 95%. In summary, the available evidence is currently insufficient to determine the role of this variant in disease. Therefore, it has been classified as a Variant of Uncertain Significance.

NM_001370259.2(MEN1):c.1766A>T (p.Lys589Met)

Gene: MEN1 (menin 1; minus strand). Cytogenetic location: 11q13.1.
Variant type: single nucleotide variant.
Coding change: c.1766A>T on transcript NM_001370259.2 (MANE Select); coding-DNA position 1766, A replaced by T.
Protein change: p.Lys589Met; replaces lysine 589 with methionine.
Molecular consequence: missense variant. On other transcripts: non-coding transcript variant (4).
Genome position (GRCh38, 1-based): chr11:64,804,401, T>A on the plus strand (A>T on the coding strand, the complement: MEN1 is on the minus strand). VCF-style: chr11-64804401-T-A. GRCh37 (hg19) VCF-style: chr11-64571873-T-A.
Other names: c.1766A>T, p.Lys589Met (NM_001370260.2, NM_001370261.2, NM_001407146.1 and 2 more transcripts); c.1661A>T, p.Lys554Met (NM_001370262.2, NM_001370263.2, NM_001407148.1 and 1 more transcripts); c.1892A>T, p.Lys631Met (NM_001407142.1, NM_001407143.1, NM_001407144.1 and 1 more transcripts); c.1781A>T, p.Lys594Met (NM_001407145.1, NM_130801.3, NM_130802.3 and 4 more transcripts); c.1907A>T, p.Lys636Met (NM_001407150.1); c.1787A>T, p.Lys596Met (NM_001407151.1); c.1601A>T, p.Lys534Met (NM_001407152.1); short protein forms K554M, K631M, K589M, K596M, K534M, K594M, K636M.
Identifiers: ClinVar variation 2761267 (VCV002761267.4), dbSNP rs1941490061, ClinGen allele CA381177382.
Genomic context (GRCh38, chr11:64,804,401, plus strand): 5'-CCTTTGCGCTGCCGCTTGAGGAAAGACAGAGTGTAGTCACTAGGGGTGGACACTTTCTGC[T>A]TCTTCATCTGCACTTGCGACTGTGCCGTGAGTTGCAGCTTGATGGCGCTCGAGTTGATCT-3'
Protein context (NP_001357188.2, residues 579-599): LTAQSQVQMK[Lys589Met]QKVSTPSDYT